The following is an entry in ClinVar:

ClinVar aggregate classification (germline): Uncertain significance. Review status: criteria provided, multiple submitters, no conflicts (2 of 4 stars). 4 submissions from 4 submitters: Uncertain significance (4). Last evaluated 2025-08-09.

Conditions:
Ehlers-Danlos syndrome, classic type, 1 (EDSCL1). Also called: Ehlers-Danlos Syndrome, Classic Type, COL5A1-Related; EHLERS-DANLOS SYNDROME, GRAVIS TYPE; EHLERS-DANLOS SYNDROME, SEVERE CLASSIC TYPE; Ehlers-Danlos syndrome, type 1; EDS I. Identifiers: MedGen C0268335, MONDO:0019567, OMIM 130000.
Familial thoracic aortic aneurysm and aortic dissection (TAAD). Also called: Thoracic aortic aneurysms and dissections. Identifiers: Orphanet 91387, MedGen C4707243, MONDO:0019625.

Allele frequency attached by ClinVar (database versions not stated): TOPMed 0.00002; ExAC 0.00002; gnomAD exomes 0.00002.
gnomAD v4.1: 16 of 1,614,012 alleles (0.00099%); highest among the groups gnomAD compares: African/African-American, 0.0013%; no homozygotes.

Submissions (4):

Labcorp Genetics (formerly Invitae), Labcorp
Classification: Uncertain significance for Ehlers-Danlos syndrome, classic type, 1. Last evaluated: 2025-08-09. Review status: criteria provided, single submitter. Criteria: Invitae Variant Classification Sherloc (09022015). Collection method: clinical testing. Allele origin: germline.
Comment: This sequence change replaces arginine, which is basic and polar, with glutamine, which is neutral and polar, at codon 828 of the COL5A1 protein (p.Arg828Gln). This variant is present in population databases (rs781317910, gnomAD 0.02%). This variant has not been reported in the literature in individuals affected with COL5A1-related conditions. ClinVar contains an entry for this variant (Variation ID: 213042). Experimental studies and prediction algorithms are not available or were not evaluated, and the functional significance of this variant is currently unknown. In summary, the available evidence is currently insufficient to determine the role of this variant in disease. Therefore, it has been classified as a Variant of Uncertain Significance.

Women's Health and Genetics/Laboratory Corporation of America, LabCorp
Classification: Uncertain significance. Last evaluated: 2025-01-14. Review status: criteria provided, single submitter. Criteria: LabCorp Variant Classification Summary - May 2015. Collection method: clinical testing. Allele origin: germline.
Comment: Variant summary: COL5A1 c.2483G>A (p.Arg828Gln) results in a conservative amino acid change in the encoded protein sequence. Three of five in-silico tools predict a damaging effect of the variant on protein function. Several computational tools predict a significant impact on normal splicing: Three predict the variant strengthens a 5' donor site. One predict the variant no significant impact on splicing. However, these predictions have yet to be confirmed by functional studies. The variant allele was found at a frequency of 2.4e-05 in 251228 control chromosomes. The available data on variant occurrences in the general population are insufficient to allow any conclusion about variant significance. To our knowledge, no occurrence of c.2483G>A in individuals affected with Ehlers-Danlos syndrome, classic type, Ehlers-Danlos syndrome, classic type, 1 and no experimental evidence demonstrating its impact on protein function have been reported. ClinVar contains an entry for this variant (Variation ID: 213042). Based on the evidence outlined above, the variant was classified as uncertain significance.

Ambry Genetics
Classification: Uncertain significance for Familial thoracic aortic aneurysm and aortic dissection. Last evaluated: 2021-03-09. Review status: criteria provided, single submitter. Criteria: Ambry Variant Classification Scheme 2023. Collection method: clinical testing. Allele origin: germline.
Comment: The p.R828Q variant (also known as c.2483G>A), located in coding exon 29 of the COL5A1 gene, results from a G to A substitution at nucleotide position 2483. The arginine at codon 828 is replaced by glutamine, an amino acid with highly similar properties. This amino acid position is highly conserved in available vertebrate species. In addition, the in silico prediction for this alteration is inconclusive. Since supporting evidence is limited at this time, the clinical significance of this alteration remains unclear.

GeneDx
Classification: Uncertain significance. Last evaluated: 2019-08-14. Review status: criteria provided, single submitter. Criteria: GeneDx Variant Classification Process June 2021. Collection method: clinical testing. Allele origin: germline. Affected: yes.
Comment: Has not been previously published as pathogenic or benign to our knowledge; In silico analysis, which includes protein predictors and evolutionary conservation, supports a deleterious effect; Not located in the triple helical region, where the majority of pathogenic missense variants occur (Symoens et al., 2012; Stenson et al., 2014)

NM_000093.5(COL5A1):c.2483G>A (p.Arg828Gln)

Gene: COL5A1 (collagen type V alpha 1 chain; plus strand). Cytogenetic location: 9q34.3.
Variant type: single nucleotide variant.
Coding change: c.2483G>A on transcript NM_000093.5 (MANE Select); coding-DNA position 2483, G replaced by A.
Protein change: p.Arg828Gln; replaces arginine 828 with glutamine.
Molecular consequence: missense variant.
Genome position (GRCh38, 1-based): chr9:134,782,719, G>A. VCF-style: chr9-134782719-G-A. GRCh37 (hg19) VCF-style: chr9-137674565-G-A.
Other names: p.R828Q:CGG>CAG; c.2483G>A, p.Arg828Gln (NM_001278074.1); short protein forms R828Q.
Identifiers: ClinVar variation 213042 (VCV000213042.17), dbSNP rs781317910, ClinGen allele CA325344.